The following is an entry in ClinVar:

NM_003265.3(TLR3):c.848A>G (p.Tyr283Cys)

Gene: TLR3 (toll like receptor 3; plus strand). Cytogenetic location: 4q35.1.
Variant type: single nucleotide variant.
Coding change: c.848A>G on transcript NM_003265.3 (MANE Select); coding-DNA position 848, A replaced by G.
Protein change: p.Tyr283Cys; replaces tyrosine 283 with cysteine.
Molecular consequence: missense variant.
Genome position (GRCh38, 1-based): chr4:186,082,534, A>G. VCF-style: chr4-186082534-A-G. GRCh37 (hg19) VCF-style: chr4-187003688-A-G.
Other names: short protein forms Y283C.
Identifiers: ClinVar variation 2173232 (VCV002173232.5), dbSNP rs760734845, ClinGen allele CA3161318.
Genomic context (GRCh38, chr4:186,082,534, plus strand): 5'-CCAGCAATACAACTTTCTTGGGACTAAAGTGGACAAATCTCACTATGCTCGATCTTTCCT[A>G]CAACAACTTAAATGTGGTTGGTAACGATTCCTTTGCTTGGCTTCCACAACTAGAATATTT-3'
Protein context (NP_003256.1, residues 273-293): WTNLTMLDLS[Tyr283Cys]NNLNVVGNDS

ClinVar aggregate classification (germline): Uncertain significance. Review status: criteria provided, multiple submitters, no conflicts (2 of 4 stars). 2 submissions from 2 submitters: Uncertain significance (2). Last evaluated 2025-10-18.

Conditions:
Encephalopathy, acute, infection-induced (herpes-specific), susceptibility to, 1. Also called: Herpes simplex encephalitis, susceptibility to, 1. Identifiers: Orphanet 1930, MedGen C2750180, MONDO:0024563, OMIM 610551.

Allele frequency attached by ClinVar (database versions not stated): ExAC 0.00001; gnomAD exomes 0.00001; TOPMed 0.00004; gnomAD 0.00006.
gnomAD v4.1: 17 of 1,614,050 alleles (0.0011%); highest among the groups gnomAD compares: African/African-American, 0.02%; no homozygotes.

Submissions (2):

Ambry Genetics
Classification: Uncertain significance. Last evaluated: 2025-10-18. Review status: criteria provided, single submitter. Criteria: Ambry Variant Classification Scheme 2023. Collection method: clinical testing. Allele origin: germline.

Labcorp Genetics (formerly Invitae), Labcorp
Classification: Uncertain significance for Encephalopathy, acute, infection-induced (herpes-specific), susceptibility to, 1. Last evaluated: 2025-01-29. Review status: criteria provided, single submitter. Criteria: Invitae Variant Classification Sherloc (09022015). Collection method: clinical testing. Allele origin: germline.
Comment: This sequence change replaces tyrosine, which is neutral and polar, with cysteine, which is neutral and slightly polar, at codon 283 of the TLR3 protein (p.Tyr283Cys). This variant is present in population databases (rs760734845, gnomAD 0.02%). This variant has not been reported in the literature in individuals affected with TLR3-related conditions. ClinVar contains an entry for this variant (Variation ID: 2173232). An algorithm developed to predict the effect of missense changes on protein structure and function (PolyPhen-2) suggests that this variant is likely to be disruptive. In summary, the available evidence is currently insufficient to determine the role of this variant in disease. Therefore, it has been classified as a Variant of Uncertain Significance.